The following is an entry in ClinVar:

NM_006922.4(SCN3A):c.135T>G (p.Asp45Glu)

Gene: SCN3A (sodium voltage-gated channel alpha subunit 3; minus strand). Cytogenetic location: 2q24.3.
Variant type: single nucleotide variant.
Coding change: c.135T>G on transcript NM_006922.4 (MANE Select); coding-DNA position 135, T replaced by G.
Protein change: p.Asp45Glu; replaces aspartic acid 45 with glutamic acid.
Molecular consequence: missense variant.
Genome position (GRCh38, 1-based): chr2:165,176,260, A>C on the plus strand (T>G on the coding strand, the complement: SCN3A is on the minus strand). VCF-style: chr2-165176260-A-C. GRCh37 (hg19) VCF-style: chr2-166032770-A-C.
Other names: c.135T>G, p.Asp45Glu (NM_001081676.2, NM_001081677.2); c.135T>G (NM_006922.3); short protein forms D45E.
Identifiers: ClinVar variation 1961364 (VCV001961364.6), dbSNP rs768514926, ClinGen allele CA349240990.
Genomic context (GRCh38, chr2:165,176,260, plus strand): 5'-ATAAATAAATGGAAGGTTCTTTCCAGCTTCCAAGTCACTATTTGGCTTTGGTTTGTTCTC[A>C]TCATCATTATCTTGTTCCTTTTTGGGCTTCTTGGCTTTCTCTTCTGCAGCACGTTTTTCG-3'
Protein context (NP_008853.3, residues 35-55): KKPKKEQDND[Asp45Glu]ENKPKPNSDL

ClinVar aggregate classification (germline): Uncertain significance. Review status: criteria provided, multiple submitters, no conflicts (2 of 4 stars). 2 submissions from 2 submitters: Uncertain significance (2). Last evaluated 2025-10-13.

Submissions (2):

Labcorp Genetics (formerly Invitae), Labcorp
Classification: Uncertain significance. Last evaluated: 2025-10-13. Review status: criteria provided, single submitter. Criteria: Invitae Variant Classification Sherloc (09022015). Collection method: clinical testing. Allele origin: germline.
Comment: This sequence change replaces aspartic acid, which is acidic and polar, with glutamic acid, which is acidic and polar, at codon 45 of the SCN3A protein (p.Asp45Glu). This variant is present in population databases (no rsID available, gnomAD 0.01%). This variant has not been reported in the literature in individuals affected with SCN3A-related conditions. ClinVar contains an entry for this variant (Variation ID: 1961364). Invitae Evidence Modeling of protein sequence and biophysical properties (such as structural, functional, and spatial information, amino acid conservation, physicochemical variation, residue mobility, and thermodynamic stability) indicates that this missense variant is not expected to disrupt SCN3A protein function with a negative predictive value of 95%. In summary, the available evidence is currently insufficient to determine the role of this variant in disease. Therefore, it has been classified as a Variant of Uncertain Significance.

GeneDx
Classification: Uncertain significance. Last evaluated: 2025-03-10. Review status: criteria provided, single submitter. Criteria: GeneDx Variant Classification Process June 2021. Collection method: clinical testing. Allele origin: germline. Affected: yes.
Comment: Not observed at significant frequency in large population cohorts (gnomAD); In silico analysis indicates that this missense variant does not alter protein structure/function; Has not been previously published as pathogenic or benign to our knowledge